The following is an entry in ClinVar:

NM_006160.4(NEUROD2):c.1090C>T (p.His364Tyr)

Gene: NEUROD2 (neuronal differentiation 2; minus strand). Cytogenetic location: 17q12.
Variant type: single nucleotide variant.
Coding change: c.1090C>T on transcript NM_006160.4 (MANE Select); coding-DNA position 1090, C replaced by T.
Protein change: p.His364Tyr; replaces histidine 364 with tyrosine.
Molecular consequence: missense variant.
Genome position (GRCh38, 1-based): chr17:39,605,510, G>A on the plus strand (C>T on the coding strand, the complement: NEUROD2 is on the minus strand). VCF-style: chr17-39605510-G-A. GRCh37 (hg19) VCF-style: chr17-37761763-G-A.
Other names: short protein forms H364Y.
Identifiers: ClinVar variation 3383848 (VCV003383848.1).

ClinVar aggregate classification (germline): Uncertain significance (1 of 4 stars; one submission).

Submission:

GeneDx
Classification: Uncertain significance. Last evaluated: 2024-05-30. Review status: criteria provided, single submitter. Criteria: GeneDx Variant Classification Process June 2021. Collection method: clinical testing. Allele origin: germline. Affected: yes.
Comment: Not observed at significant frequency in large population cohorts (gnomAD); In silico analysis supports that this missense variant has a deleterious effect on protein structure/function; Has not been previously published as pathogenic or benign to our knowledge